The following is an entry in ClinVar:

ClinVar aggregate classification (germline): Pathogenic (1 of 4 stars; one submission).

Conditions:
Muscular dystrophy-dystroglycanopathy (congenital with brain and eye anomalies), type a, 12 (MDDGA12). Also called: WALKER-WARBURG SYNDROME OR MUSCLE-EYE-BRAIN DISEASE, POMK-RELATED. Identifiers: Orphanet 899, MedGen C3808964, MONDO:0014101, OMIM 615249.
Limb-girdle muscular dystrophy due to POMK deficiency. Also called: Muscular dystrophy-dystroglycanopathy (limb-girdle), type c, 12; MUSCULAR DYSTROPHY-DYSTROGLYCANOPATHY, LIMB-GIRDLE, POMK-RELATED. Identifiers: Orphanet 445110, MedGen C4015184, MONDO:0014489, OMIM 616094.

Submission:

Labcorp Genetics (formerly Invitae), Labcorp
Classification: Pathogenic for Muscular dystrophy-dystroglycanopathy (congenital with brain and eye anomalies), type a, 12; Limb-girdle muscular dystrophy due to POMK deficiency. Last evaluated: 2025-05-05. Review status: criteria provided, single submitter. Criteria: Invitae Variant Classification Sherloc (09022015). Collection method: clinical testing. Allele origin: germline.
Comment: This sequence change creates a premature translational stop signal (p.Asp252Glyfs*20) in the POMK gene. While this is not anticipated to result in nonsense mediated decay, it is expected to disrupt the last 99 amino acid(s) of the POMK protein. This variant is not present in population databases (gnomAD no frequency). This variant has not been reported in the literature in individuals affected with POMK-related conditions. ClinVar contains an entry for this variant (Variation ID: 1911792). This variant disrupts a region of the POMK protein in which other variant(s) (p.Pro322Leu) have been determined to be pathogenic (PMID: 29910097, 30060766). This suggests that this is a clinically significant region of the protein, and that variants that disrupt it are likely to be disease-causing. For these reasons, this variant has been classified as Pathogenic.

Literature cited by the submitters: PubMed 29910097; PubMed 30060766.

NM_032237.5(POMK):c.754dup (p.Asp252fs)

Gene: POMK (protein O-mannose kinase; plus strand). Cytogenetic location: 8p11.21.
Variant type: Duplication.
Coding change: c.754dup on transcript NM_032237.5 (MANE Select); coding-DNA position 754, one base duplicated (G; older notation c.754dupG).
Protein change: p.Asp252fs; shifts the reading frame from aspartic acid 252.
Molecular consequence: frameshift variant.
Genome position (GRCh38, 1-based): chr8:43,122,578, G duplicated; the last of 4 consecutive G bases (chr8:43,122,575-43,122,578); duplicating any one gives the same sequence. VCF-style (leftmost placement, unchanged base first): chr8-43122574-T-TG. GRCh37 (hg19) VCF-style: chr8-42977717-T-TG.
Other names: c.754dup, p.Asp252fs (NM_001277971.2); short protein forms D252fs.
Identifiers: ClinVar variation 1911792 (VCV001911792.5), dbSNP rs2486780850, ClinGen allele CA2511368872.
Genomic context (GRCh38, chr8:43,122,574, plus strand): 5'-CTTACCCCTGGTGAACCACAGCTCCGGGATGCTGGTGAAGTGCGGCCACAGGGAGCTGCA[T>TG]GGGGATTTCGTGGCTCCAGAGCAACTGTGGCCCTATGGAGAGGACGTGCCTTTCCACGAT-3'